The following is an entry in ClinVar:

NM_007294.4(BRCA1):c.594-1G>T

Gene: BRCA1 (BRCA1 DNA repair associated; minus strand). Cytogenetic location: 17q21.31.
Variant type: single nucleotide variant.
Coding change: c.594-1G>T on transcript NM_007294.4 (MANE Select); the canonical splice acceptor site of the intron before coding-DNA position 594, G replaced by T.
Molecular consequence: splice acceptor variant. On other transcripts: intron variant (115).
Genome position (GRCh38, 1-based): chr17:43,095,923, C>A on the plus strand (G>T on the coding strand, the complement: BRCA1 is on the minus strand). VCF-style: chr17-43095923-C-A. GRCh37 (hg19) VCF-style: chr17-41247940-C-A.
Other names: c.453-1G>T (NM_001407724.1, NM_001407697.1, NM_001408410.1 and 43 more transcripts); c.450-1G>T (NM_001407838.1, NM_001407741.1, NM_001407747.1 and 26 more transcripts); c.516-1G>T (NM_001408415.1, NM_001408412.1, NM_001407656.1 and 9 more transcripts); c.384-1G>T (NM_001408483.1, NM_001407885.1, NM_001407886.1 and 27 more transcripts); c.591-1G>T (NM_001407634.1, NM_001407610.1, NM_001408400.1 and 41 more transcripts); c.548-1063G>T (NM_001408442.1, NM_001408426.1, NM_001408441.1 and 34 more transcripts); c.594-1G>T (NM_001407982.1, NM_001407970.1, NM_001407621.1 and 58 more transcripts); c.545-1063G>T (NM_001407690.1, NM_001407687.1, NM_001407941.1 and 20 more transcripts); and 17 more.
Identifiers: ClinVar variation 440453 (VCV000440453.23), dbSNP rs757781708, ClinGen allele CA056528.
Genomic context (GRCh38, chr17:43,095,923, plus strand): 5'-AAACTGATTTCATCCCTGGTTCCTTGAGGGGTGATTTGTAACAATTCTTGATCTCCCACA[C>A]TATAGGGAAAAGACAGAGTCCTAATAAGAAACACTAGTTACATGTATGCAGAACTGTCAA-3'

ClinVar aggregate classification (germline): Uncertain significance. Review status: criteria provided, multiple submitters, no conflicts (2 of 4 stars). 5 submissions from 5 submitters: Uncertain significance (5). Last evaluated 2026-02-19.

Conditions:
Hereditary cancer-predisposing syndrome. Also called: Neoplastic Syndromes, Hereditary; Tumor predisposition; Hereditary neoplastic syndrome; Hereditary Cancer Syndrome. Identifiers: Orphanet 140162, MedGen C0027672, MeSH D009386, MONDO:0015356.
Hereditary breast ovarian cancer syndrome. Also called: Breast and ovarian cancer; BRCA1- and BRCA2-Associated Hereditary Breast and Ovarian Cancer; Hereditary breast and ovarian cancer; Hereditary breast and/or ovarian cancer syndrome; Hereditary breast and ovarian cancer syndrome; Hereditary breast and ovarian cancer syndrome (HBOC). Identifiers: Orphanet 145, MedGen C0677776, MeSH D061325, MONDO:0003582. Disease mechanism: loss of function.

Allele frequency attached by ClinVar (database versions not stated): gnomAD exomes below 0.00001; ExAC 0.00001.
gnomAD v4.1: 1 of 1,610,474 alleles (0.000062%); highest among the groups gnomAD compares: South Asian, 0.0011%; no homozygotes.

Submissions (5):

Ambry Genetics
Classification: Uncertain significance for Hereditary cancer-predisposing syndrome. Last evaluated: 2026-02-19. Review status: criteria provided, single submitter. Criteria: Ambry Variant Classification Scheme 2023. Collection method: clinical testing. Allele origin: germline.
Comment: The c.594-1G>T intronic variant results from a G to T substitution one nucleotide upstream from coding exon 8 of the BRCA1 gene. Alterations that disrupt the canonical splice site are expected to cause aberrant splicing, resulting in an abnormal protein or a transcript that is subject to nonsense-mediated mRNA decay; however, this alteration occurs at a splice junction that is located at a naturally occurring, alternatively spliced exon and, thus, the degree and effects of abnormal splicing cannot be predicted (Colombo M et al. Hum. Mol. Genet., 2014 Jul;23:3666-80). This nucleotide position is highly conserved in available vertebrate species. In silico splice site analysis predicts that this alteration will weaken the native splice acceptor site. Based on the available evidence, the clinical significance of this variant remains unclear.

Molecular Diagnostics Laboratory, Catalan Institute of Oncology
Classification: Uncertain significance for Hereditary cancer-predisposing syndrome. Last evaluated: 2025-02-18. Review status: criteria provided, single submitter. Criteria: ClinGen BRCA1BRCA2 ACMG Specifications BRCA1 V1.0.0. Collection method: clinical testing. Allele origin: germline.
Comment: c.594-1G>T, located in a canonic splicing site of the BRCA1 is predicted to alter splicing, probably causing the skipping of exon 9 (10 according BIC nomenclature) (r.594_670del). However, a BRCA1 isoform that lacks exons 8 and 9 (exons 9 and 10 according BIC nomenclature) is normally expressed in tissue (PVS1_N/A). This variant is found in 1/266943 alleles at a frequency of 0.0004% in the gnomAD v2.1.1 database, non-cancer dataset. To our knowledge, neither relevant clinical data nor well-stablished functional studies have been reported for this variant. In addition, it has been identified in the ClinVar database (4x uncertain significance) and BRCA Exchange database (not yet reviewed), but it is not present in the LOVD database. Based on the currently available information, c.594-1G>T is classified as an uncertain significance variant according to ClinGen-BRCA1 Guidelines version v1.0.0.

Labcorp Genetics (formerly Invitae), Labcorp
Classification: Uncertain significance for Hereditary breast ovarian cancer syndrome. Last evaluated: 2023-06-02. Review status: criteria provided, single submitter. Criteria: Invitae Variant Classification Sherloc (09022015). Collection method: clinical testing. Allele origin: germline.
Comment: In summary, the available evidence is currently insufficient to determine the role of this variant in disease. Therefore, it has been classified as a Variant of Uncertain Significance. Studies have shown that disruption of this splice site is associated with altered splicing resulting in skipping of exon 8 and 9 (also known as exon 9 and 10). However, an in-frame BRCA1 isoform that skips exons 8 and 9 is expressed in normal blood and breast tissue, suggesting that this isoform may not be deleterious (PMID: 24569164). ClinVar contains an entry for this variant (Variation ID: 440453). Disruption of this splice site has been observed in individual(s) with breast cancer (PMID: 33151324). This variant is present in population databases (rs757781708, gnomAD 0.003%). This sequence change affects an acceptor splice site in intron 8 of the BRCA1 gene. Loss-of-function variants in BRCA1 are expected to be pathogenic (PMID: 20104584). However, an in-frame BRCA1 isoform lacking exons 8 and 9 (also known as exons 9 and 10) is highly expressed in blood from unaffected individuals and in normal breast tissue; this isoform may retain protein function and could functionally rescue loss-of-function variants within exons 8-9 (PMID: 24569164).

Color Diagnostics, LLC DBA Color Health
Classification: Uncertain significance for Hereditary cancer-predisposing syndrome. Last evaluated: 2019-12-16. Review status: criteria provided, single submitter. Criteria: ACMG Guidelines, 2015. Collection method: clinical testing. Allele origin: germline.
Comment: This variant causes a G>T nucleotide substitution at the -1 position of intron 8 of the BRCA1 gene. While this variant is expected to disrupt the intron 8 splice acceptor site, another canonical splice site variant c.594-2A>C at this splice site was found not to segregate with breast or ovarian cancer (PMID: 25639900, 27008870) and it has been observed in trans with a pathogenic BRCA1 co-variant in an individual who did not have early-developmental phenotype (PMID: 26884819). The naturally-occurring and functional alternative BRCA1 transcript lacking exons 8 and 9 is thought to ameliorate canonical splice site variants in exons 8 and 9 (PMID: 19892845, 27008870). To our knowledge, functional studies have not been performed for this variant nor has it been reported in individuals affected with hereditary cancer in the literature. This variant has been identified in 1/249902 chromosomes in the general population by the Genome Aggregation Database (gnomAD). The available evidence is insufficient to determine the role of this variant in disease conclusively. Therefore, this variant is classified as a Variant of Uncertain Significance.

Laboratory for Molecular Medicine, Mass General Brigham Personalized Medicine
Classification: Uncertain significance. Last evaluated: 2017-09-01. Review status: criteria provided, single submitter. Criteria: LMM Criteria. Collection method: clinical testing. Allele origin: germline. Observed: 1 variant allele.
Comment: The c.594-1G>T variant in BRCA1 has not been previously reported in individuals with BRCA1-associated cancers, but has been identified in 1/14982 South Asian ch romosomes by the Exome Aggregation Consortium (ExAC. org; dbSNP rs757781708). This variant occurs in the invariant region (+/- 1,2) o f the splice consensus sequence and is predicted to cause altered splicing leadi ng to skipping of exon 9; however, a BRCA1 isoform that lacks exons 9 and 10 is normally expressed in breast tissue, suggesting that the c.594-1G>T variant may not cause disease (Tesoriero 2005, Rosenthal 2015, de la Hoya 2016, Wong-Brown 2 016). In summary, the clinical significance of the c.594-1G>T variant is uncerta in.

Literature cited by the submitters: PubMed 24569164 (cited by Labcorp Genetics (formerly Invitae), Labcorp); PubMed 33151324 (cited by Labcorp Genetics (formerly Invitae), Labcorp); PubMed 20104584 (cited by Labcorp Genetics (formerly Invitae), Labcorp).